The following is an entry in ClinVar:

ClinVar aggregate classification (germline): Pathogenic. Review status: criteria provided, multiple submitters, no conflicts (2 of 4 stars). 2 submissions from 2 submitters: Pathogenic (2). Last evaluated 2021-10-01.

Submissions (2):

CeGaT Center for Human Genetics Tuebingen
Classification: Pathogenic. Last evaluated: 2021-10-01. Review status: criteria provided, single submitter. Criteria: CeGaT Center For Human Genetics Tuebingen Variant Classification Criteria Version 2. Collection method: clinical testing. Allele origin: germline. Affected: yes. Observed: 2 variant alleles.

GeneDx
Classification: Pathogenic. Last evaluated: 2014-10-08. Review status: criteria provided, single submitter. Criteria: GeneDx Variant Classification (06012015). Collection method: clinical testing. Allele origin: germline. Affected: yes.
Comment: c.433dupC: p.Arg145ProfsX25 (R145PfsX25) in exon 2 of the PRRT2 gene (NM_145239.2). The normal sequence with the base that is duplicated in braces is: ACCCC{C}GGCC. The c.433dupC mutation in the PRRT2 gene causes a frameshift starting with codon Arginine 145, changes this amino acid to a Proline residue and creates a premature Stop codon at position 25 of the new reading frame, denoted p.Arg145ProfsX25. This mutation is predicted to cause loss of normal protein function either through protein truncation or nonsense-mediated mRNA decay. Although this mutation has not been previously reported to our knowledge, a deletion at the same position (c.433delC) has been reported in association with PRRT2-related disorders (Cloarec et al., 2012), and other frameshift mutations in this region of the PRRT2 gene have been reported in association with PRRT2-related disorders. The variant is found in INFANT-EPI panel(s).

NM_145239.3(PRRT2):c.433dup (p.Arg145fs)

Genes: MVP-DT (MVP divergent transcript; minus strand), PRRT2 (proline rich transmembrane protein 2; plus strand). Cytogenetic location: 16p11.2.
Variant type: Duplication.
Coding change: c.433dup on transcript NM_145239.3 (MANE Select); coding-DNA position 433, one base duplicated (C; older notation c.433dupC).
Protein change: p.Arg145fs; shifts the reading frame from arginine 145.
Molecular consequence: frameshift variant.
Genome position (GRCh38, 1-based): chr16:29,813,487, C duplicated; the last of 5 consecutive C bases (chr16:29,813,483-29,813,487); duplicating any one gives the same sequence. VCF-style (leftmost placement, unchanged base first): chr16-29813482-A-AC. GRCh37 (hg19) VCF-style: chr16-29824803-A-AC.
Other names: c.433dup, p.Arg145fs (NM_001256442.2, NM_001256443.2); short protein forms R145fs.
Identifiers: ClinVar variation 206700 (VCV000206700.39), dbSNP rs796052944, ClinGen allele CA317051.
Genomic context (GRCh38, chr16:29,813,482, plus strand): 5'-GGTCCAGGCTGGAGTCTGCAGCCCCACCTGAACCAGCCCCAGAGCCTGCTCCCCAACCAG[A>AC]CCCCCGGCCAGATTCCCAGCCTACCCCCAAGCCAGCCCTTCAACCAGAGCTCCCTACCCA-3'